The following is an entry in ClinVar:

NM_005876.5(SPEG):c.8819G>T (p.Ser2940Ile)

Genes: ASIC4-AS1 (ASIC4 antisense RNA 1; minus strand), SPEG (striated muscle enriched protein kinase; plus strand). Cytogenetic location: 2q35.
Variant type: single nucleotide variant.
Coding change: c.8819G>T on transcript NM_005876.5 (MANE Select); coding-DNA position 8819, G replaced by T.
Protein change: p.Ser2940Ile; replaces serine 2940 with isoleucine.
Molecular consequence: missense variant.
Genome position (GRCh38, 1-based): chr2:219,489,837, G>T. VCF-style: chr2-219489837-G-T. GRCh37 (hg19) VCF-style: chr2-220354559-G-T.
Other names: c.8819G>T (NM_005876.4); short protein forms S2940I.
Identifiers: ClinVar variation 1404303 (VCV001404303.6), dbSNP rs769317364, ClinGen allele CA2127568.

ClinVar aggregate classification (germline): Uncertain significance. Review status: criteria provided, multiple submitters, no conflicts (2 of 4 stars). 2 submissions from 2 submitters: Uncertain significance (2). Last evaluated 2025-02-17.

Conditions:
Inborn genetic diseases. Identifiers: MedGen C0950123, MeSH D030342.

Allele frequency attached by ClinVar (database versions not stated): TOPMed 0.00002.
gnomAD v4.1: 25 of 1,613,416 alleles (0.0015%); highest among the groups gnomAD compares: Middle Eastern, 0.13%; no homozygotes.

Submissions (2):

Labcorp Genetics (formerly Invitae), Labcorp
Classification: Uncertain significance. Last evaluated: 2025-02-17. Review status: criteria provided, single submitter. Criteria: Invitae Variant Classification Sherloc (09022015). Collection method: clinical testing. Allele origin: germline.
Comment: This sequence change replaces serine, which is neutral and polar, with isoleucine, which is neutral and non-polar, at codon 2940 of the SPEG protein (p.Ser2940Ile). This variant is present in population databases (rs769317364, gnomAD 0.006%). This variant has not been reported in the literature in individuals affected with SPEG-related conditions. ClinVar contains an entry for this variant (Variation ID: 1404303). An algorithm developed to predict the effect of missense changes on protein structure and function (PolyPhen-2) suggests that this variant is likely to be tolerated. In summary, the available evidence is currently insufficient to determine the role of this variant in disease. Therefore, it has been classified as a Variant of Uncertain Significance.

Ambry Genetics
Classification: Uncertain significance for Inborn genetic diseases. Last evaluated: 2021-09-16. Review status: criteria provided, single submitter. Criteria: Ambry Variant Classification Scheme 2023. Collection method: clinical testing. Allele origin: germline.